The following is an entry in ClinVar:

ClinVar aggregate classification (germline): Pathogenic (0 of 4 stars; one submission).

Conditions:
Angelman syndrome (AS). Also called: HAPPY PUPPET SYNDROME. Identifiers: Orphanet 72, MedGen C0162635, MONDO:0007113, OMIM 105830. Disease mechanism: loss of function. Inheritance: AS is caused by disruption of maternally imprinted UBE3A located within the 15q11.2-q13 Angelman syndrome/Prader-Willi syndrome (AS/PWS) region., imprinting disorder.

Submission:

Baylor Genetics
Classification: Pathogenic for Angelman Syndrome. Last evaluated: 2014-02-14. Review status: no assertion criteria provided. Collection method: clinical testing. Allele origin: germline. Affected: yes. Observed: 1 variant allele. Study: UBE3A Mutation Study.
Comment: Data collected from clinical UBE3A sequence analysis results

Literature cited by the submitters: PubMed 25212744.

NM_130839.5(UBE3A):c.1330G>T (p.Glu444Ter)

Genes: SNHG14 (small nucleolar RNA host gene 14; plus strand), UBE3A (ubiquitin protein ligase E3A; minus strand). Cytogenetic location: 15q11.2.
Variant type: single nucleotide variant.
Coding change: c.1330G>T on transcript NM_130839.5 (MANE Select); coding-DNA position 1330, G replaced by T.
Protein change: p.Glu444Ter; replaces glutamic acid 444 with a stop codon.
Molecular consequence: nonsense. On other transcripts: non-coding transcript variant (1), intron variant (2).
Genome position (GRCh38, 1-based): chr15:25,370,844, C>A on the plus strand (G>T on the coding strand, the complement: UBE3A is on the minus strand). VCF-style: chr15-25370844-C-A. GRCh37 (hg19) VCF-style: chr15-25615991-C-A.
Other names: c.1339G>T, p.Glu447Ter (NM_000462.5); c.1330G>T, p.Glu444Ter (NM_001354505.1, NM_001354538.2, NM_001354545.2); c.1270G>T, p.Glu424Ter (NM_001354506.2, NM_001354507.2, NM_001354508.2 and 17 more transcripts); c.1153G>T, p.Glu385Ter (NM_001354546.2); c.301+4621G>T (NM_001354551.2); c.361+4621G>T (NM_001354550.2); short protein forms E424*, E447*, E385*, E444*.
Identifiers: ClinVar variation 155948 (VCV000155948.1), dbSNP rs587781197, ClinGen allele CA333309.